The following is an entry in ClinVar:

ClinVar aggregate classification (germline): Conflicting classifications of pathogenicity. Review status: criteria provided, conflicting classifications (1 of 4 stars). 4 submissions from 4 submitters: Uncertain significance (3); Likely benign (1). Last evaluated 2024-12-24.

Conditions:
Inborn genetic diseases. Identifiers: MedGen C0950123, MeSH D030342.
Leigh syndrome (NULS). Also called: Subacute necrotizing encephalopathy; Necrotizing encephalopathy infantile subacute of Leigh; Leigh's syndrome; Leigh Disease; LEIGH SYNDROME, NUCLEAR; Leigh's necrotizing encephalopathy. Identifiers: Orphanet 506, MedGen C2931891, MONDO:0009723, OMIM 256000.

Allele frequency attached by ClinVar (database versions not stated): TOPMed 0.00004; ESP Exome Variant Server 0.00008; 1000 Genomes Project 0.00020; 1000 Genomes Project 30x 0.00031.
gnomAD v4.1: 115 of 1,611,698 alleles (0.0071%); highest among the groups gnomAD compares: South Asian, 0.092%; no homozygotes.

Submissions (4):

Ambry Genetics
Classification: Likely benign for Inborn genetic diseases. Last evaluated: 2024-12-24. Review status: criteria provided, single submitter. Criteria: Ambry Variant Classification Scheme 2023. Collection method: clinical testing. Allele origin: germline.

Labcorp Genetics (formerly Invitae), Labcorp
Classification: Uncertain significance. Last evaluated: 2024-10-22. Review status: criteria provided, single submitter. Criteria: Invitae Variant Classification Sherloc (09022015). Collection method: clinical testing. Allele origin: germline.
Comment: This sequence change replaces glycine, which is neutral and non-polar, with arginine, which is basic and polar, at codon 11 of the NDUFA2 protein (p.Gly11Arg). This variant is present in population databases (rs375905956, gnomAD 0.08%). This variant has not been reported in the literature in individuals affected with NDUFA2-related conditions. ClinVar contains an entry for this variant (Variation ID: 1032830). An algorithm developed to predict the effect of missense changes on protein structure and function outputs the following: PolyPhen-2: "Benign". The arginine amino acid residue is found in multiple mammalian species, which suggests that this missense change does not adversely affect protein function. In summary, the available evidence is currently insufficient to determine the role of this variant in disease. Therefore, it has been classified as a Variant of Uncertain Significance.

Baylor Genetics
Classification: Uncertain significance for Leigh syndrome. Last evaluated: 2018-01-16. Review status: criteria provided, single submitter. Criteria: ACMG Guidelines, 2015. Collection method: clinical testing. Allele origin: paternal. Affected: yes.
Comment: This variant was determined to be of uncertain significance according to ACMG Guidelines, 2015 [PMID:25741868].

Breakthrough Genomics
Classification: Uncertain significance. Review status: criteria provided, single submitter. Criteria: ACMG Guidelines, 2015. Collection method: not provided. Allele origin: germline. Inheritance: Autosomal recessive inheritance. Affected: yes.

NM_002488.5(NDUFA2):c.31G>C (p.Gly11Arg)

Genes: TMCO6 (transmembrane and coiled-coil domains 6; plus strand), NDUFA2 (NADH:ubiquinone oxidoreductase subunit A2; minus strand). Cytogenetic location: 5q31.3.
Variant type: single nucleotide variant.
Coding change: c.31G>C on transcript NM_002488.5 (MANE Select); coding-DNA position 31, G replaced by C.
Protein change: p.Gly11Arg; replaces glycine 11 with arginine.
Molecular consequence: missense variant. On other transcripts: non-coding transcript variant (1).
Genome position (GRCh38, 1-based): chr5:140,647,553, C>G on the plus strand (G>C on the coding strand, the complement: NDUFA2 is on the minus strand). VCF-style: chr5-140647553-C-G. GRCh37 (hg19) VCF-style: chr5-140027138-C-G.
Other names: c.31G>C, p.Gly11Arg (NM_001185012.2); short protein forms G11R.
Identifiers: ClinVar variation 1032830 (VCV001032830.11), dbSNP rs375905956, ClinGen allele CA3442566.